The following is an entry in ClinVar:

NM_001080.3(ALDH5A1):c.588C>T (p.Gly196=)

Gene: ALDH5A1 (aldehyde dehydrogenase 5 family member A1; plus strand). Cytogenetic location: 6p22.3.
Variant type: single nucleotide variant.
Coding change: c.588C>T on transcript NM_001080.3 (MANE Select); coding-DNA position 588, C replaced by T.
Protein change: p.Gly196=; no amino-acid change (glycine 196 retained).
Molecular consequence: synonymous variant.
Genome position (GRCh38, 1-based): chr6:24,503,412, C>T. VCF-style: chr6-24503412-C-T. GRCh37 (hg19) VCF-style: chr6-24503640-C-T.
Other names: c.588C>T, p.Gly196= (NM_001368954.1, NM_170740.1).
Identifiers: ClinVar variation 289419 (VCV000289419.20), dbSNP rs145208127, ClinGen allele CA3656661.
Genomic context (GRCh38, chr6:24,503,412, plus strand): 5'-AGACATTATCCACACCCCGGCAAAGGACAGGCGGGCCCTGGTCCTCAAGCAGCCCATAGG[C>T]GTGGCTGCAGTCATCACCCCGGTAGGTGACAGGATCAGCAAGATCCTAGGGTGGGAGATT-3'
Protein context (NP_001071.1, residues 186-206): RRALVLKQPI[Gly196=]VAAVITPWNF

ClinVar aggregate classification (germline): Conflicting classifications of pathogenicity. Review status: criteria provided, conflicting classifications (1 of 4 stars). 3 submissions from 3 submitters: Uncertain significance (2); Likely benign (1). Last evaluated 2025-12-30.

Conditions:
Succinate-semialdehyde dehydrogenase deficiency (SSADHD). Also called: 4-HYDROXYBUTYRIC ACIDURIA; GABA METABOLIC DEFECT; SSADH DEFICIENCY; Succinic Semialdehyde Dehydrogenase Deficiency. Identifiers: Orphanet 22, MedGen C0268631, MONDO:0010083, OMIM 271980.

Allele frequency attached by ClinVar (database versions not stated): TOPMed 0.00012; ESP Exome Variant Server 0.00015.
gnomAD v4.1: 321 of 1,613,082 alleles (0.02%); highest among the groups gnomAD compares: Admixed American, 0.027%; no homozygotes.

Submissions (4):

Labcorp Genetics (formerly Invitae), Labcorp
Classification: Likely benign for Succinate-semialdehyde dehydrogenase deficiency. Last evaluated: 2025-12-30. Review status: criteria provided, single submitter. Criteria: Invitae Variant Classification Sherloc (09022015). Collection method: clinical testing. Allele origin: germline.

GeneDx
Classification: Uncertain significance. Last evaluated: 2021-08-25. Review status: criteria provided, single submitter. Criteria: GeneDx Variant Classification Process June 2021. Collection method: clinical testing. Allele origin: germline. Affected: yes.
Comment: Has not been previously published as pathogenic or benign to our knowledge; In silico analysis, which includes splice predictors and evolutionary conservation, suggests this variant may impact gene splicing. In the absence of RNA/functional studies, the actual effect of this sequence change is unknown

Eurofins Ntd Llc (ga)
Classification: Uncertain significance. Last evaluated: 2016-08-11. Review status: criteria provided, single submitter. Criteria: EGL Classification Definitions 2015. Collection method: clinical testing. Allele origin: germline. Observed: 1 variant allele, 1 heterozygote.

Dr. Peter K. Rogan Lab, Western University
No classification provided (evidence only). Condition: Cervical cancer. Review status: no classification provided. Collection method: in vitro. Allele origin: not applicable. Functional consequence: retained intron. Not counted in ClinVar's aggregate classification.